The following is an entry in ClinVar:

NM_003108.4(SOX11):c.648G>A (p.Thr216=)

Gene: SOX11 (SRY-box transcription factor 11; plus strand). Cytogenetic location: 2p25.2.
Variant type: single nucleotide variant.
Coding change: c.648G>A on transcript NM_003108.4 (MANE Select); coding-DNA position 648, G replaced by A.
Protein change: p.Thr216=; no amino-acid change (threonine 216 retained).
Molecular consequence: synonymous variant.
Genome position (GRCh38, 1-based): chr2:5,693,369, G>A. VCF-style: chr2-5693369-G-A. GRCh37 (hg19) VCF-style: chr2-5833501-G-A.
Identifiers: ClinVar variation 3619885 (VCV003619885.2).

ClinVar aggregate classification (germline): Uncertain significance (1 of 4 stars; one submission).

gnomAD v4.1: 2 of 1,592,276 alleles (0.00013%); highest among the groups gnomAD compares: Non-Finnish European, 0.00017%; no homozygotes.

Submission:

Labcorp Genetics (formerly Invitae), Labcorp
Classification: Uncertain significance. Last evaluated: 2024-12-08. Review status: criteria provided, single submitter. Criteria: Invitae Variant Classification Sherloc (09022015). Collection method: clinical testing. Allele origin: germline.
Comment: This sequence change affects codon 216 of the SOX11 mRNA. It is a 'silent' change, meaning that it does not change the encoded amino acid sequence of the SOX11 protein. This variant is not present in population databases (gnomAD no frequency). This variant has not been reported in the literature in individuals affected with SOX11-related conditions. Experimental studies and prediction algorithms are not available or were not evaluated, and the effect of this variant on mRNA splicing is currently unknown. In summary, the available evidence is currently insufficient to determine the role of this variant in disease. Therefore, it has been classified as a Variant of Uncertain Significance.